The following is an entry in ClinVar:

NM_000448.3(RAG1):c.1727_1738dup (p.Glu579_Gly580insAspIleLeuGlu)

Gene: RAG1 (recombination activating 1; plus strand). Cytogenetic location: 11p12.
Variant type: Duplication.
Coding change: c.1727_1738dup on transcript NM_000448.3 (MANE Select); coding-DNA positions 1727 to 1738, 12 bases duplicated (ACATCTTGGAAG).
Protein change: p.Glu579_Gly580insAspIleLeuGlu.
Molecular consequence: inframe insertion. On other transcripts: inframe indel (1).
Genome position (GRCh38, 1-based): chr11:36,575,031-36,575,042, ACATCTTGGAAG duplicated; duplicating any 12 consecutive bases within chr11:36,575,027-36,575,042 gives the same sequence; the c. name uses the placement nearest the transcript's 3' end. VCF-style (leftmost placement, unchanged base first): chr11-36575026-A-AGAAGACATCTTG. GRCh37 (hg19) VCF-style: chr11-36596576-A-AGAAGACATCTTG.
Other names: c.1727_1738dup12 (NM_000448.2); c.1727_1738dup, p.Glu579_Gly580insAspIleLeuGlu (NM_001377277.1, NM_001377278.1, NM_001377279.1 and 1 more transcripts).
Identifiers: ClinVar variation 3346108 (VCV003346108.2).
Genomic context (GRCh38, chr11:36,575,026, plus strand): 5'-CACCATTGCAAAGAGGTTCCGCTATGATTCAGCTTTGGTGTCTGCTTTGATGGACATGGA[A>AGAAGACATCTTG]GAAGACATCTTGGAAGGCATGAGATCCCAAGACCTTGATGATTACCTGAATGGCCCCTTC-3'

ClinVar aggregate classification (germline): Likely pathogenic (1 of 4 stars; one submission).

Conditions:
RAG1-related disorder. Also called: RAG1-related condition; RAG1-related disorders.

Submission:

PreventionGenetics, part of Exact Sciences
Classification: Likely pathogenic for RAG1-related condition. Last evaluated: 2025-02-12. Review status: criteria provided, single submitter. Criteria: ACMG Guidelines, 2015. Collection method: clinical testing. Allele origin: germline.
Comment: The RAG1 c.1727_1738dup12 variant is predicted to result in an in-frame duplication (p.Asp576_Glu579dup). To our knowledge, this variant has not been reported in the literature or in a large population database (gnomAD), indicating this variant is rare. We classify this variant as likely pathogenic.